The following is an entry in ClinVar:

NM_001242896.3(DEPDC5):c.1325-5T>G

Gene: DEPDC5 (DEP domain containing 5, GATOR1 subcomplex subunit; plus strand). Cytogenetic location: 22q12.3.
Variant type: single nucleotide variant.
Coding change: c.1325-5T>G on transcript NM_001242896.3 (MANE Select); 5 bases into the intron before coding-DNA position 1325, T replaced by G.
Molecular consequence: intron variant.
Genome position (GRCh38, 1-based): chr22:31,810,516, T>G. VCF-style: chr22-31810516-T-G. GRCh37 (hg19) VCF-style: chr22-32206502-T-G.
Other names: c.1325-5T>G (NM_001364318.2, NM_001136029.4, NM_014662.6 and 7 more transcripts); c.1241-5T>G (NM_001369902.1, NM_001369901.1).
Identifiers: ClinVar variation 3381627 (VCV003381627.1).

ClinVar aggregate classification (germline): Uncertain significance (1 of 4 stars; one submission).

Submission:

GeneDx
Classification: Uncertain significance. Last evaluated: 2024-05-22. Review status: criteria provided, single submitter. Criteria: GeneDx Variant Classification Process June 2021. Collection method: clinical testing. Allele origin: germline. Affected: yes.
Comment: Not observed at significant frequency in large population cohorts (gnomAD); In silico analysis supports a deleterious effect on splicing; Has not been previously published as pathogenic or benign to our knowledge